The following is an entry in ClinVar:

ClinVar aggregate classification (germline): Likely pathogenic (1 of 4 stars; one submission).

Conditions:
Combined oxidative phosphorylation defect type 15. Also called: Combined oxidative phosphorylation deficiency 15. Identifiers: Orphanet 319524, MedGen C4706313, MONDO:0013987, OMIM 614947.
Mitochondrial complex I deficiency, nuclear type 27. Also called: Mitochondrial complex 1 deficiency, nuclear type 27. Identifiers: MedGen C4748826, MONDO:0032631, OMIM 618248.

Submission:

First Genomix Gene Laboratory, Genetic Diagnostics Department
Classification: Likely pathogenic for Combined oxidative phosphorylation defect type 15; Mitochondrial complex I deficiency, nuclear type 27. Last evaluated: 2025-06-25. Review status: criteria provided, single submitter. Criteria: ACMG Guidelines, 2015. Collection method: clinical testing. Allele origin: germline. Inheritance: Autosomal recessive inheritance. Affected: yes.

NM_139242.4(MTFMT):c.209+2_209+14del

Gene: MTFMT (mitochondrial methionyl-tRNA formyltransferase; minus strand). Cytogenetic location: 15q22.31.
Variant type: Deletion.
Coding change: c.209+2_209+14del on transcript NM_139242.4 (MANE Select); the canonical splice donor site of the intron after coding-DNA position 209 through 14 bases into the intron after coding-DNA position 209, 13 bases deleted (TACCCGGGCCAGG).
Molecular consequence: splice donor variant.
Genome position (GRCh38, 1-based): chr15:65,029,391-65,029,403, CCTGGCCCGGGTA deleted on the plus strand (TACCCGGGCCAGG on the coding strand, the reverse complement: MTFMT is on the minus strand); deleting any 13 consecutive bases within chr15:65,029,391-65,029,409 gives the same sequence; the c. name uses the placement nearest the transcript's 3' end. VCF-style (leftmost placement, unchanged base first): chr15-65029390-CCCTGGCCCGGGTA-C. GRCh37 (hg19) VCF-style: chr15-65321728-CCCTGGCCCGGGTA-C.
Other names: c.209+2_209+14delTACCCGGGCCAGG (NM_139242.4).
Identifiers: ClinVar variation 4849459 (VCV004849459.1).